The following is an entry in ClinVar:

NM_000264.5(PTCH1):c.2917C>T (p.Gln973Ter)

Gene: PTCH1 (patched 1; minus strand). Cytogenetic location: 9q22.32.
Variant type: single nucleotide variant.
Coding change: c.2917C>T on transcript NM_000264.5 (MANE Select); coding-DNA position 2917, C replaced by T.
Protein change: p.Gln973Ter; replaces glutamine 973 with a stop codon.
Molecular consequence: nonsense. On other transcripts: non-coding transcript variant (1).
Genome position (GRCh38, 1-based): chr9:95,458,264, G>A on the plus strand (C>T on the coding strand, the complement: PTCH1 is on the minus strand). VCF-style: chr9-95458264-G-A. GRCh37 (hg19) VCF-style: chr9-98220546-G-A.
Other names: c.2719C>T, p.Gln907Ter (NM_001083602.3); c.2914C>T, p.Gln972Ter (NM_001083603.3); c.2464C>T, p.Gln822Ter (NM_001083604.3, NM_001083605.3, NM_001083606.3 and 1 more transcripts); c.2761C>T, p.Gln921Ter (NM_001354918.2); short protein forms Q822*, Q973*, Q907*, Q972*, Q921*.
Identifiers: ClinVar variation 2819419 (VCV002819419.4), dbSNP rs2538069785, ClinGen allele CA374112787.

ClinVar aggregate classification (germline): Pathogenic/Likely pathogenic. Review status: criteria provided, multiple submitters, no conflicts (2 of 4 stars). 2 submissions from 2 submitters: Pathogenic (1); Likely pathogenic (1). Last evaluated 2022-12-08.

Conditions:
Gorlin syndrome. Also called: Nevoid Basal Cell Carcinoma Syndrome; Basal cell nevus syndrome. Identifiers: Orphanet 377, MedGen C0004779, MONDO:0007187.
Basal cell nevus syndrome 1 (BCNS1). Also called: GORLIN-GOLTZ SYNDROME; MULTIPLE BASAL CELL NEVI, ODONTOGENIC KERATOCYSTS, AND SKELETAL ANOMALIES. Identifiers: MedGen CN376810, MONDO:0958174, OMIM 109400.

Submissions (2):

Labcorp Genetics (formerly Invitae), Labcorp
Classification: Pathogenic for Gorlin syndrome. Last evaluated: 2022-12-08. Review status: criteria provided, single submitter. Criteria: Invitae Variant Classification Sherloc (09022015). Collection method: clinical testing. Allele origin: germline.
Comment: This sequence change creates a premature translational stop signal (p.Gln973*) in the PTCH1 gene. It is expected to result in an absent or disrupted protein product. Loss-of-function variants in PTCH1 are known to be pathogenic (PMID: 16301862, 16419085). For these reasons, this variant has been classified as Pathogenic. This variant has not been reported in the literature in individuals affected with PTCH1-related conditions. This variant is not present in population databases (gnomAD no frequency).

Institute for Genomic Medicine (IGM) Clinical Laboratory, Nationwide Children's Hospital
Classification: Likely pathogenic for Basal cell nevus syndrome 1. Last evaluated: 2022-11-04. Review status: criteria provided, single submitter. Criteria: ACMG Guidelines, 2015. Collection method: clinical testing. Allele origin: germline.
Comment: This variant is predicted to result in loss of function through nonsense-mediated decay of the encoded transcript or premature truncation of the encoded protein in a gene in which loss of function is a known mechanism of disease (ACMG/AMP: PVS1; PMIDs:10564585, 29575684, 8658145, 19557015, 34185076). This variant is absent from or present at an exceedingly low frequency in gnomAD, a large-scale control population database (ACMG/AMP: PM2).

Literature cited by the submitters: PubMed 16301862 (cited by Labcorp Genetics (formerly Invitae), Labcorp); PubMed 16419085 (cited by Labcorp Genetics (formerly Invitae), Labcorp); PubMed 10564585 (cited by Institute for Genomic Medicine (IGM) Clinical Laboratory, Nationwide Children's Hospital); PubMed 29575684 (cited by Institute for Genomic Medicine (IGM) Clinical Laboratory, Nationwide Children's Hospital); PubMed 8658145 (cited by Institute for Genomic Medicine (IGM) Clinical Laboratory, Nationwide Children's Hospital); PubMed 19557015 (cited by Institute for Genomic Medicine (IGM) Clinical Laboratory, Nationwide Children's Hospital); PubMed 34185076 (cited by Institute for Genomic Medicine (IGM) Clinical Laboratory, Nationwide Children's Hospital).